The following is an entry in ClinVar:

ClinVar aggregate classification (germline): Uncertain significance. Review status: criteria provided, multiple submitters, no conflicts (2 of 4 stars). 3 submissions from 3 submitters: Uncertain significance (3). Last evaluated 2023-09-21.

Conditions:
Inborn genetic diseases. Identifiers: MedGen C0950123, MeSH D030342.
Methylcobalamin deficiency type cblE (HMAE). Also called: VITAMIN B12-RESPONSIVE HOMOCYSTINURIA, cblE TYPE; HOMOCYSTINURIA-MEGALOBLASTIC ANEMIA, cblE COMPLEMENTATION TYPE; HOMOCYSTINURIA-MEGALOBLASTIC ANEMIA, cblE TYPE. Identifiers: Orphanet 2169, Orphanet 622, MedGen C1856057, MONDO:0009354, OMIM 236270.
Disorders of Intracellular Cobalamin Metabolism. Identifiers: MedGen CN043592.

Allele frequency attached by ClinVar (database versions not stated): gnomAD 0.00006; TOPMed 0.00010; ESP Exome Variant Server 0.00015; gnomAD exomes 0.00019; 1000 Genomes Project 0.00020; ExAC 0.00021; 1000 Genomes Project 30x 0.00031.
gnomAD v4.1: 376 of 1,611,916 alleles (0.023%); highest among the groups gnomAD compares: Middle Eastern, 0.066%; no homozygotes.

Submissions (3):

Ambry Genetics
Classification: Uncertain significance for Inborn genetic diseases. Last evaluated: 2023-09-21. Review status: criteria provided, single submitter. Criteria: Ambry Variant Classification Scheme 2023. Collection method: clinical testing. Allele origin: germline.

Labcorp Genetics (formerly Invitae), Labcorp
Classification: Uncertain significance for Methylcobalamin deficiency type cblE. Last evaluated: 2022-08-23. Review status: criteria provided, single submitter. Criteria: Invitae Variant Classification Sherloc (09022015). Collection method: clinical testing. Allele origin: germline.
Comment: This sequence change replaces histidine, which is basic and polar, with arginine, which is basic and polar, at codon 128 of the MTRR protein (p.His128Arg). This variant is present in population databases (rs185235284, gnomAD 0.03%). This variant has not been reported in the literature in individuals affected with MTRR-related conditions. ClinVar contains an entry for this variant (Variation ID: 354349). Algorithms developed to predict the effect of missense changes on protein structure and function are either unavailable or do not agree on the potential impact of this missense change (SIFT: "Tolerated"; PolyPhen-2: "Possibly Damaging"; Align-GVGD: "Class C0"). In summary, the available evidence is currently insufficient to determine the role of this variant in disease. Therefore, it has been classified as a Variant of Uncertain Significance.

Illumina Laboratory Services, Illumina
Classification: Uncertain significance for Disorders of Intracellular Cobalamin Metabolism. Last evaluated: 2018-01-13. Review status: criteria provided, single submitter. Criteria: ICSL Variant Classification Criteria 13 December 2019. Collection method: clinical testing. Allele origin: germline.

NM_002454.3(MTRR):c.383A>G (p.His128Arg)

Gene: MTRR (5-methyltetrahydrofolate-homocysteine methyltransferase reductase; plus strand). Cytogenetic location: 5p15.31.
Variant type: single nucleotide variant.
Coding change: c.383A>G on transcript NM_002454.3 (MANE Select); coding-DNA position 383, A replaced by G.
Protein change: p.His128Arg; replaces histidine 128 with arginine.
Molecular consequence: missense variant. On other transcripts: non-coding transcript variant (14).
Genome position (GRCh38, 1-based): chr5:7,875,357, A>G. VCF-style: chr5-7875357-A-G. GRCh37 (hg19) VCF-style: chr5-7875470-A-G.
Other names: c.383A>G, p.His128Arg (NM_001364440.2, NM_001364441.2, NM_001364442.2 and 1 more transcripts); short protein forms H128R.
Identifiers: ClinVar variation 354349 (VCV000354349.8), dbSNP rs185235284, ClinGen allele CA3195575.